The following is an entry in ClinVar:

ClinVar aggregate classification (germline): Benign (1 of 4 stars; one submission).

Allele frequency attached by ClinVar (database versions not stated): 1000 Genomes Project 0.00200; 1000 Genomes Project 30x 0.00219; ExAC 0.00320; gnomAD 0.00613; TOPMed 0.00643; gnomAD exomes 0.01167.
gnomAD v4.1: 13,416 of 1,234,244 alleles (1.1%); highest among the groups gnomAD compares: Non-Finnish European, 1.3%; 80 homozygotes.

Submission:

CeGaT Center for Human Genetics Tuebingen
Classification: Benign. Last evaluated: 2024-08-01. Review status: criteria provided, single submitter. Criteria: CeGaT Center For Human Genetics Tuebingen Variant Classification Criteria Version 2. Collection method: clinical testing. Allele origin: germline. Affected: yes. Observed: 3 variant alleles.
Comment: ARHGEF18: BS1, BS2

NM_001367823.1(ARHGEF18):c.535G>C (p.Val179Leu)

Gene: ARHGEF18 (Rho/Rac guanine nucleotide exchange factor 18; plus strand). Cytogenetic location: 19p13.2.
Variant type: single nucleotide variant.
Coding change: c.535G>C on transcript NM_001367823.1 (MANE Select); coding-DNA position 535, G replaced by C.
Protein change: p.Val179Leu; replaces valine 179 with leucine.
Molecular consequence: missense variant.
Genome position (GRCh38, 1-based): chr19:7,376,751, G>C. VCF-style: chr19-7376751-G-C. GRCh37 (hg19) VCF-style: chr19-7441637-G-C.
Other names: short protein forms V179L.
Identifiers: ClinVar variation 2649155 (VCV002649155.24), dbSNP rs190276907, ClinGen allele CA9136215.